The following is an entry in ClinVar:

NM_001127222.2(CACNA1A):c.2954C>T (p.Pro985Leu)

Gene: CACNA1A (calcium voltage-gated channel subunit alpha1 A; minus strand). Cytogenetic location: 19p13.13.
Variant type: single nucleotide variant.
Coding change: c.2954C>T on transcript NM_001127222.2 (MANE Select); coding-DNA position 2954, C replaced by T.
Protein change: p.Pro985Leu; replaces proline 985 with leucine.
Molecular consequence: missense variant.
Genome position (GRCh38, 1-based): chr19:13,298,679, G>A on the plus strand (C>T on the coding strand, the complement: CACNA1A is on the minus strand). VCF-style: chr19-13298679-G-A. GRCh37 (hg19) VCF-style: chr19-13409493-G-A.
Other names: c.2957C>T, p.Pro986Leu (NM_001127221.2, NM_001174080.2); c.2966C>T, p.Pro989Leu (NM_023035.3, NM_000068.4); short protein forms P985L, P986L, P989L.
Identifiers: ClinVar variation 1196028 (VCV001196028.2), dbSNP rs1478798895, ClinGen allele CA404342372.

ClinVar aggregate classification (germline): Uncertain significance (1 of 4 stars; one submission).

gnomAD v4.1: 11 of 1,472,440 alleles (0.00075%); highest among the groups gnomAD compares: Admixed American, 0.0027%; no homozygotes.

Submission:

GeneDx
Classification: Uncertain significance. Last evaluated: 2020-08-06. Review status: criteria provided, single submitter. Criteria: GeneDx Variant Classification Process June 2021. Collection method: clinical testing. Allele origin: germline. Affected: yes.
Comment: In silico analysis supports that this missense variant does not alter protein structure/function; Has not been previously published as pathogenic or benign to our knowledge